The following is an entry in ClinVar:

ClinVar aggregate classification (germline): Uncertain significance (1 of 4 stars; one submission).

Conditions:
Hereditary hyperekplexia. Identifiers: Orphanet 3197, MedGen C4084968, MONDO:0021022.

Allele frequency attached by ClinVar (database versions not stated): gnomAD exomes below 0.00001 and 0.00001; TOPMed below 0.00001; gnomAD 0.00001.
gnomAD v4.1: 10 of 1,613,974 alleles (0.00062%); highest among the groups gnomAD compares: East Asian, 0.0022%; no homozygotes.

Submission:

Labcorp Genetics (formerly Invitae), Labcorp
Classification: Uncertain significance for Hereditary hyperekplexia. Last evaluated: 2025-07-03. Review status: criteria provided, single submitter. Criteria: Invitae Variant Classification Sherloc (09022015). Collection method: clinical testing. Allele origin: germline.
Comment: This sequence change replaces valine, which is neutral and non-polar, with isoleucine, which is neutral and non-polar, at codon 332 of the GLRA1 protein (p.Val332Ile). This variant is present in population databases (no rsID available, gnomAD no frequency). This missense change has been observed in individual(s) with clinical features of GLRA1-related conditions (PMID: 30078784, 32695065). ClinVar contains an entry for this variant (Variation ID: 570499). Invitae Evidence Modeling of protein sequence and biophysical properties (such as structural, functional, and spatial information, amino acid conservation, physicochemical variation, residue mobility, and thermodynamic stability) indicates that this missense variant is not expected to disrupt GLRA1 protein function with a negative predictive value of 80%. In summary, the available evidence is currently insufficient to determine the role of this variant in disease. Therefore, it has been classified as a Variant of Uncertain Significance.

Literature cited by the submitters: PubMed 30078784; PubMed 32695065.

NM_000171.4(GLRA1):c.994G>A (p.Val332Ile)

Gene: GLRA1 (glycine receptor alpha 1; minus strand). Cytogenetic location: 5q33.1.
Variant type: single nucleotide variant.
Coding change: c.994G>A on transcript NM_000171.4 (MANE Select); coding-DNA position 994, G replaced by A.
Protein change: p.Val332Ile; replaces valine 332 with isoleucine.
Molecular consequence: missense variant.
Genome position (GRCh38, 1-based): chr5:151,828,986, C>T on the plus strand (G>A on the coding strand, the complement: GLRA1 is on the minus strand). VCF-style: chr5-151828986-C-T. GRCh37 (hg19) VCF-style: chr5-151208547-C-T.
Other names: c.994G>A, p.Val332Ile (NM_001146040.2); c.745G>A, p.Val249Ile (NM_001292000.2); short protein forms V332I, V249I.
Identifiers: ClinVar variation 570499 (VCV000570499.10), dbSNP rs1468001309, ClinGen allele CA361851531.